The following is an entry in ClinVar:

ClinVar aggregate classification (germline): Pathogenic/Likely pathogenic. Review status: criteria provided, multiple submitters, no conflicts (2 of 4 stars). 3 submissions from 3 submitters: Pathogenic (1); Likely pathogenic (2). Last evaluated 2024-09-30.

Conditions:
Lamellar ichthyosis. Identifiers: Orphanet 313, MedGen C5848247, MONDO:0017778.

Allele frequency attached by ClinVar (database versions not stated): gnomAD exomes below 0.00001; TOPMed below 0.00001.
gnomAD v4.1: 1 of 1,550,042 alleles (0.000065%); highest among the groups gnomAD compares: Non-Finnish European, 0.000087%; no homozygotes.

Submissions (3):

Labcorp Genetics (formerly Invitae), Labcorp
Classification: Pathogenic. Last evaluated: 2024-09-30. Review status: criteria provided, single submitter. Criteria: Invitae Variant Classification Sherloc (09022015). Collection method: clinical testing. Allele origin: germline.
Comment: This sequence change affects an acceptor splice site in intron 7 of the ALOX12B gene. It is expected to disrupt RNA splicing. Variants that disrupt the donor or acceptor splice site typically lead to a loss of protein function (PMID: 16199547), and loss-of-function variants in ALOX12B are known to be pathogenic (PMID: 16116617, 23621129, 31046801). This variant is not present in population databases (gnomAD no frequency). Disruption of this splice site has been observed in individual(s) with congenital ichthyosis (internal data). ClinVar contains an entry for this variant (Variation ID: 632292). Algorithms developed to predict the effect of sequence changes on RNA splicing suggest that this variant may disrupt the consensus splice site. For these reasons, this variant has been classified as Pathogenic.

GeneDx
Classification: Likely pathogenic. Last evaluated: 2024-06-01. Review status: criteria provided, single submitter. Criteria: GeneDx Variant Classification Process June 2021. Collection method: clinical testing. Allele origin: germline. Affected: yes.
Comment: Has not been previously published as pathogenic or benign to our knowledge; Not observed in large population cohorts (gnomAD); Canonical splice site variant predicted to result in an in-frame loss of the adjacent exon in a gene for which loss of function is a known mechanism of disease

Women's Health and Genetics/Laboratory Corporation of America, LabCorp
Classification: Likely pathogenic for Lamellar ichthyosis. Last evaluated: 2023-03-14. Review status: criteria provided, single submitter. Criteria: LabCorp Variant Classification Summary - May 2015. Collection method: clinical testing. Allele origin: germline.
Comment: Variant summary: ALOX12B c.928-2A>G is located in a canonical splice-site and is predicted to affect mRNA splicing resulting in a significantly altered protein due to either exon skipping, shortening, or inclusion of intronic material. Several computational tools predict a significant impact on normal splicing: Four predict the variant abolishes a 3' acceptor site, while two predict the variant strengthens a cryptic exonic 3' acceptor site, 3 nucleotides downstream from the original (which would result in the deletion of 1 amino acid at the protein level if engaged for utilization). However, these predictions have yet to be confirmed by functional studies. The variant was absent in 153842 control chromosomes (gnomAD). To our knowledge, no occurrence of c.928-2A>G in individuals affected with Lamellar Ichthyosis and no experimental evidence demonstrating its impact on protein function have been reported. Two clinical diagnostic laboratories have submitted clinical-significance assessments for this variant to ClinVar after 2014, and classified the variant as likely pathogenic, or as uncertain significance. Based on the evidence outlined above, the variant was classified as likely pathogenic.

Literature cited by the submitters: PubMed 16199547 (cited by Labcorp Genetics (formerly Invitae), Labcorp); PubMed 16116617 (cited by Labcorp Genetics (formerly Invitae), Labcorp); PubMed 23621129 (cited by Labcorp Genetics (formerly Invitae), Labcorp); PubMed 31046801 (cited by Labcorp Genetics (formerly Invitae), Labcorp).

NM_001139.3(ALOX12B):c.928-2A>G

Gene: ALOX12B (arachidonate 12-lipoxygenase, 12R type; minus strand). Cytogenetic location: 17p13.1.
Variant type: single nucleotide variant.
Coding change: c.928-2A>G on transcript NM_001139.3 (MANE Select); the canonical splice acceptor site of the intron before coding-DNA position 928, A replaced by G.
Molecular consequence: splice acceptor variant.
Genome position (GRCh38, 1-based): chr17:8,079,541, T>C on the plus strand (A>G on the coding strand, the complement: ALOX12B is on the minus strand). VCF-style: chr17-8079541-T-C. GRCh37 (hg19) VCF-style: chr17-7982859-T-C.
Identifiers: ClinVar variation 632292 (VCV000632292.10), dbSNP rs1567982673, ClinGen allele CA397993510.